The following is an entry in ClinVar:

ClinVar aggregate classification (germline): Uncertain significance. Review status: criteria provided, multiple submitters, no conflicts (2 of 4 stars). 3 submissions from 3 submitters: Uncertain significance (2). 1 of the submissions does not count toward it. Last evaluated 2022-07-25.

Conditions:
Glycogen storage disease, type II (IOPD). Also called: GLYCOGENOSIS, GENERALIZED, CARDIAC FORM; GSD II; Glycogen storage disease type 2; Acid maltase deficiency disease; Aglucosidase alfa; Deficiency of alpha-glucosidase. Identifiers: Orphanet 365, MedGen C0017921, MONDO:0009290, OMIM 232300.

Allele frequency attached by ClinVar (database versions not stated): gnomAD exomes below 0.00001 and 0.00001; ExAC 0.00001; TOPMed 0.00001; gnomAD 0.00002 and 0.00003.
gnomAD v4.1: 4 of 1,612,848 alleles (0.00025%); highest among the groups gnomAD compares: African/African-American, 0.0053%; no homozygotes.

Submissions (3):

Labcorp Genetics (formerly Invitae), Labcorp
Classification: Uncertain significance for Glycogen storage disease, type II. Last evaluated: 2022-07-25. Review status: criteria provided, single submitter. Criteria: Invitae Variant Classification Sherloc (09022015). Collection method: clinical testing. Allele origin: germline.
Comment: This sequence change replaces serine, which is neutral and polar, with arginine, which is basic and polar, at codon 142 of the GAA protein (p.Ser142Arg). This variant is present in population databases (rs762255493, gnomAD 0.01%). This variant has not been reported in the literature in individuals affected with GAA-related conditions. ClinVar contains an entry for this variant (Variation ID: 1003172). Advanced modeling of protein sequence and biophysical properties (such as structural, functional, and spatial information, amino acid conservation, physicochemical variation, residue mobility, and thermodynamic stability) performed at Invitae indicates that this missense variant is not expected to disrupt GAA protein function. In summary, the available evidence is currently insufficient to determine the role of this variant in disease. Therefore, it has been classified as a Variant of Uncertain Significance.

Fulgent Genetics
Classification: Uncertain significance for Glycogen storage disease, type II. Last evaluated: 2021-08-11. Review status: criteria provided, single submitter. Criteria: ACMG Guidelines, 2015. Collection method: clinical testing. Allele origin: unknown.

Natera, Inc.
Classification: Uncertain significance for Glycogen storage disease type II. Last evaluated: 2021-03-12. Review status: no assertion criteria provided. Collection method: clinical testing. Allele origin: germline. Not counted in ClinVar's aggregate classification.

NM_000152.5(GAA):c.426C>A (p.Ser142Arg)

Gene: GAA (alpha glucosidase; plus strand). Cytogenetic location: 17q25.3.
Variant type: single nucleotide variant.
Coding change: c.426C>A on transcript NM_000152.5 (MANE Select); coding-DNA position 426, C replaced by A.
Protein change: p.Ser142Arg; replaces serine 142 with arginine.
Molecular consequence: missense variant.
Genome position (GRCh38, 1-based): chr17:80,105,012, C>A. VCF-style: chr17-80105012-C-A. GRCh37 (hg19) VCF-style: chr17-78078811-C-A.
Other names: c.426C>A, p.Ser142Arg (NM_001079803.3, NM_001079804.3); short protein forms S142R.
Identifiers: ClinVar variation 1003172 (VCV001003172.9), dbSNP rs762255493, ClinGen allele CA8814871.
Genomic context (GRCh38, chr17:80,105,012, plus strand): 5'-GGGGCAGCCCTGGTGCTTCTTCCCACCCAGCTACCCCAGCTACAAGCTGGAGAACCTGAG[C>A]TCCTCTGAAATGGGCTACACGGCCACCCTGACCCGTACCACCCCCACCTTCTTCCCCAAG-3'
Protein context (NP_000143.2, residues 132-152): SYPSYKLENL[Ser142Arg]SSEMGYTATL